The following is an entry in ClinVar:

NM_001145715.3(KPNA7):c.1174G>A (p.Ala392Thr)

Gene: KPNA7 (karyopherin subunit alpha 7; minus strand). Cytogenetic location: 7q22.1.
Variant type: single nucleotide variant.
Coding change: c.1174G>A on transcript NM_001145715.3 (MANE Select); coding-DNA position 1174, G replaced by A.
Protein change: p.Ala392Thr; replaces alanine 392 with threonine.
Molecular consequence: missense variant.
Genome position (GRCh38, 1-based): chr7:99,182,026, C>T on the plus strand (G>A on the coding strand, the complement: KPNA7 is on the minus strand). VCF-style: chr7-99182026-C-T. GRCh37 (hg19) VCF-style: chr7-98779649-C-T.
Other names: short protein forms A392T.
Identifiers: ClinVar variation 2177612 (VCV002177612.2), dbSNP rs865807243, ClinGen allele CA163744989.

ClinVar aggregate classification (germline): Uncertain significance (1 of 4 stars; one submission).

Allele frequency attached by ClinVar (database versions not stated): TOPMed below 0.00001.

Submission:

Labcorp Genetics (formerly Invitae), Labcorp
Classification: Uncertain significance. Last evaluated: 2023-04-06. Review status: criteria provided, single submitter. Criteria: Invitae Variant Classification Sherloc (09022015). Collection method: clinical testing. Allele origin: germline.
Comment: In summary, the available evidence is currently insufficient to determine the role of this variant in disease. Therefore, it has been classified as a Variant of Uncertain Significance. Advanced modeling of protein sequence and biophysical properties (such as structural, functional, and spatial information, amino acid conservation, physicochemical variation, residue mobility, and thermodynamic stability) performed at Invitae indicates that this missense variant is not expected to disrupt KPNA7 protein function. ClinVar contains an entry for this variant (Variation ID: 2177612). This variant has not been reported in the literature in individuals affected with KPNA7-related conditions. The frequency data for this variant in the population databases is considered unreliable, as metrics indicate poor data quality at this position in the gnomAD database. This sequence change replaces alanine, which is neutral and non-polar, with threonine, which is neutral and polar, at codon 392 of the KPNA7 protein (p.Ala392Thr).